The following is an entry in ClinVar:

ClinVar aggregate classification (germline): Pathogenic (1 of 4 stars; one submission).

Conditions:
Familial cancer of breast. Also called: Hereditary breast cancer; BREAST CANCER, FAMILIAL; hereditary breast carcinoma. Identifiers: Orphanet 227535, MedGen C0346153, MONDO:0016419, OMIM 114480. Disease mechanism: loss of function.

Submission:

Myriad Genetics, Inc.
Classification: Pathogenic for Familial cancer of breast. Last evaluated: 2023-06-27. Review status: criteria provided, single submitter. Criteria: Myriad Autosomal Dominant, Autosomal Recessive and X-Linked Classification Criteria (2023). Collection method: clinical testing. Allele origin: unknown.
Comment: This variant is considered pathogenic. This variant creates a frameshift predicted to result in premature protein truncation.

NM_007194.4(CHEK2):c.318del (p.Glu107fs)

Gene: CHEK2 (checkpoint kinase 2; minus strand). Cytogenetic location: 22q12.1.
Variant type: Deletion.
Coding change: c.318del on transcript NM_007194.4 (MANE Select); coding-DNA position 318, one base deleted (T; older notation c.318delT).
Protein change: p.Glu107fs; shifts the reading frame from glutamic acid 107.
Molecular consequence: frameshift variant.
Genome position (GRCh38, 1-based): chr22:28,734,404, A deleted on the plus strand (T on the coding strand, the reverse complement: CHEK2 is on the minus strand); the first of 2 consecutive A bases (chr22:28,734,404-28,734,405); deleting either gives the same sequence. VCF-style (leftmost placement, unchanged base first): chr22-28734403-CA-C. GRCh37 (hg19) VCF-style: chr22-29130391-CA-C.
Other names: c.317delT, p.Glu107Argfs (NM_001005735.3); c.-461delT (NM_001257387.3); c.317delT, p.Glu107Asnfs (NM_001349956.3, NM_145862.3); short protein forms E107fs.
Identifiers: ClinVar variation 2583498 (VCV002583498.2), dbSNP rs2518126045, ClinGen allele CA2582342745.